The following is an entry in ClinVar:

NM_001330260.2(SCN8A):c.5744T>C (p.Phe1915Ser)

Gene: SCN8A (sodium voltage-gated channel alpha subunit 8; plus strand). Cytogenetic location: 12q13.13.
Variant type: single nucleotide variant.
Coding change: c.5744T>C on transcript NM_001330260.2 (MANE Select); coding-DNA position 5744, T replaced by C.
Protein change: p.Phe1915Ser; replaces phenylalanine 1915 with serine.
Molecular consequence: missense variant.
Genome position (GRCh38, 1-based): chr12:51,807,230, T>C. VCF-style: chr12-51807230-T-C. GRCh37 (hg19) VCF-style: chr12-52201014-T-C.
Other names: c.5621T>C, p.Phe1874Ser (NM_001177984.3, NM_001369788.1); c.5744T>C, p.Phe1915Ser (NM_014191.4); short protein forms F1874S, F1915S.
Identifiers: ClinVar variation 1316357 (VCV001316357.2), dbSNP rs2138944589, ClinGen allele CA384889072.

ClinVar aggregate classification (germline): Uncertain significance (1 of 4 stars; one submission).

Submission:

GeneDx
Classification: Uncertain significance. Last evaluated: 2019-08-05. Review status: criteria provided, single submitter. Criteria: GeneDx Variant Classification Process June 2021. Collection method: clinical testing. Allele origin: germline. Affected: yes.
Comment: Not observed in large population cohorts (Lek et al., 2016); Missense variants in this gene are often considered pathogenic (Stenson et al., 2014); In silico analysis, which includes protein predictors and evolutionary conservation, supports that this variant does not alter protein structure/function; Has not been previously published as pathogenic or benign to our knowledge; This substitution is predicted to be within the C-terminal cytoplasmic domain